The following is an entry in ClinVar:

NM_001191061.2(SLC25A22):c.412+8C>G

Gene: SLC25A22 (solute carrier family 25 member 22; minus strand). Cytogenetic location: 11p15.5.
Variant type: single nucleotide variant.
Coding change: c.412+8C>G on transcript NM_001191061.2 (MANE Select); 8 bases into the intron after coding-DNA position 412, C replaced by G.
Molecular consequence: intron variant.
Genome position (GRCh38, 1-based): chr11:792,862, G>C on the plus strand (C>G on the coding strand, the complement: SLC25A22 is on the minus strand). VCF-style: chr11-792862-G-C. GRCh37 (hg19) VCF-style: chr11-792862-G-C.
Other names: c.412+8C>G (NM_001191060.2, NM_024698.6).
Identifiers: ClinVar variation 378910 (VCV000378910.10), dbSNP rs760438511, ClinGen allele CA5789216.
Genomic context (GRCh38, chr11:792,862, plus strand): 5'-CCCACCCTCCCCTCGCCCTCACCTCTTCCCGCACCTCTGCCCTCTCCTCCCCCTCCCCCC[G>C]CCCTCACCAATGCGCCCTGCATCCTGCAGCTGGATCTTCAGCATCTCCATGGGCGTGGTC-3'

ClinVar aggregate classification (germline): Likely benign. Review status: criteria provided, multiple submitters, no conflicts (2 of 4 stars). 2 submissions from 2 submitters: Likely benign (2). Last evaluated 2025-12-26.

Conditions:
Early-infantile DEE. Also called: Ohtahara syndrome; Early infantile epileptic encephalopathy with suppression bursts; Early infantile epileptic encephalopathy. Identifiers: Orphanet 1934, MedGen C0393706, MONDO:0800491.

Allele frequency attached by ClinVar (database versions not stated): ExAC 0.01423.

Submissions (2):

Labcorp Genetics (formerly Invitae), Labcorp
Classification: Likely benign for Early-infantile DEE. Last evaluated: 2025-12-26. Review status: criteria provided, single submitter. Criteria: Invitae Variant Classification Sherloc (09022015). Collection method: clinical testing. Allele origin: germline.

GeneDx
Classification: Likely benign. Last evaluated: 2018-02-23. Review status: criteria provided, single submitter. Criteria: GeneDx Variant Classification (06012015). Collection method: clinical testing. Allele origin: germline. Affected: yes.
Comment: This variant is considered likely benign or benign based on one or more of the following criteria: it is a conservative change, it occurs at a poorly conserved position in the protein, it is predicted to be benign by multiple in silico algorithms, and/or has population frequency not consistent with disease.